The following is an entry in ClinVar:

NM_001388464.1(H2BW2):c.257T>C (p.Ile86Thr)

Gene: H2BW2 (H2B.W histone 2; plus strand). Cytogenetic location: Xq22.2.
Variant type: single nucleotide variant.
Coding change: c.257T>C on transcript NM_001388464.1 (MANE Select); coding-DNA position 257, T replaced by C.
Protein change: p.Ile86Thr; replaces isoleucine 86 with threonine.
Molecular consequence: missense variant.
Genome position (GRCh38, 1-based): chrX:104,040,251, T>C. VCF-style: chrX-104040251-T-C. GRCh37 (hg19) VCF-style: chrX-103294818-T-C.
Other names: c.257T>C, p.Ile86Thr (NM_001164416.4); short protein forms I92T, I86T.
Identifiers: ClinVar variation 522987 (VCV000522987.32), dbSNP rs782616912, ClinGen allele CA10479422.

ClinVar aggregate classification (germline): Conflicting classifications of pathogenicity. Review status: criteria provided, conflicting classifications (1 of 4 stars). 4 submissions from 4 submitters: Uncertain significance (1); Likely benign (3). Last evaluated 2024-05-15.

Allele frequency attached by ClinVar (database versions not stated): 1000 Genomes Project 30x 0.00021; 1000 Genomes Project 0.00026; gnomAD 0.00044 and 0.00046; gnomAD exomes 0.00044 and 0.00048; TOPMed 0.00046; ExAC 0.00057.
gnomAD v4.1: 537 of 1,192,847 alleles (0.045%); highest among the groups gnomAD compares: Middle Eastern, 0.18%; no homozygotes.

Submissions (4):

Ambry Genetics
Classification: Uncertain significance. Last evaluated: 2024-05-15. Review status: criteria provided, single submitter. Criteria: Ambry Variant Classification Scheme 2023. Collection method: clinical testing. Allele origin: germline.

CeGaT Center for Human Genetics Tuebingen
Classification: Likely benign. Last evaluated: 2023-04-01. Review status: criteria provided, single submitter. Criteria: CeGaT Center For Human Genetics Tuebingen Variant Classification Criteria Version 2. Collection method: clinical testing. Allele origin: germline. Affected: yes. Observed: 2 variant alleles.
Comment: H2BW2: BS2

Genomic Research Center, Shahid Beheshti University of Medical Sciences
Classification: Likely benign. Last evaluated: 2017-12-18. Review status: criteria provided, single submitter. Criteria: ACMG Guidelines, 2015. Collection method: clinical testing. Allele origin: inherited. Affected: yes.

Breakthrough Genomics
Classification: Likely benign. Review status: criteria provided, single submitter. Criteria: ACMG Guidelines, 2015. Collection method: not provided. Allele origin: germline. Inheritance: Unknown mechanism. Affected: yes.